The following is an entry in ClinVar:

ClinVar aggregate classification (germline): Likely benign. Review status: criteria provided, single submitter (1 of 4 stars). 2 submissions from 2 submitters: Likely benign (1). 1 of the submissions does not count toward it. Last evaluated 2018-08-09.

Conditions:
X-linked intellectual disability Cabezas type (MRXSC). Also called: Intellectual developmental disorder, X-linked syndromic, Cabezas type; MENTAL RETARDATION, X-LINKED, SYNDROMIC 15; CABEZAS SYNDROME. Identifiers: Orphanet 85289, Orphanet 85293, MedGen C1845861, MONDO:0010306, OMIM 300354.
CUL4B-related disorder. Also called: CUL4B-related condition.

Allele frequency attached by ClinVar (database versions not stated): gnomAD exomes 0.00003 and 0.00002; gnomAD 0.00005; ESP Exome Variant Server 0.00019; TOPMed 0.00002; ExAC 0.00002.
gnomAD v4.1: 34 of 1,208,975 alleles (0.0028%); highest among the groups gnomAD compares: Non-Finnish European, 0.0036%; no homozygotes.

Submissions (2):

Labcorp Genetics (formerly Invitae), Labcorp
Classification: Likely benign for X-linked intellectual disability Cabezas type. Last evaluated: 2018-08-09. Review status: criteria provided, single submitter. Criteria: Invitae Variant Classification Sherloc (09022015). Collection method: clinical testing. Allele origin: germline.

PreventionGenetics, part of Exact Sciences
Classification: Likely benign for CUL4B-related condition. Last evaluated: 2024-08-31. Review status: no assertion criteria provided. Collection method: clinical testing. Allele origin: germline. Not counted in ClinVar's aggregate classification.
Comment: This variant is classified as likely benign based on ACMG/AMP sequence variant interpretation guidelines (Richards et al. 2015 PMID: 25741868, with internal and published modifications).

NM_001079872.2(CUL4B):c.139A>G (p.Ser47Gly)

Genes: CUL4B (cullin 4B; minus strand), LOC113845788 (Sharpr-MPRA regulatory region 11856; plus strand). Cytogenetic location: Xq24.
Variant type: single nucleotide variant.
Coding change: c.139A>G on transcript NM_001079872.2 (MANE Select); coding-DNA position 139, A replaced by G.
Protein change: p.Ser47Gly; replaces serine 47 with glycine.
Molecular consequence: missense variant.
Genome position (GRCh38, 1-based): chrX:120,560,500, T>C on the plus strand (A>G on the coding strand, the complement: CUL4B is on the minus strand). VCF-style: chrX-120560500-T-C. GRCh37 (hg19) VCF-style: chrX-119694355-T-C.
Other names: c.154A>G, p.Ser52Gly (NM_001330624.2); c.193A>G, p.Ser65Gly (NM_003588.4); short protein forms S65G, S52G, S47G.
Identifiers: ClinVar variation 572136 (VCV000572136.12), dbSNP rs145134351, ClinGen allele CA10505736.